The following is an entry in ClinVar:

ClinVar aggregate classification (germline): Uncertain significance (1 of 4 stars; one submission).

Conditions:
Hypertrophic cardiomyopathy 26. Also called: Cardiomyopathy, familial hypertrophic, 26. Identifiers: Orphanet 75249, MedGen C4310749, MONDO:0014883, OMIM 617047.
Myofibrillar myopathy 5. Also called: Filaminopathy (type); FILAMINOPATHY, AUTOSOMAL DOMINANT. Identifiers: Orphanet 171445, MedGen C1836050, MONDO:0012289, OMIM 609524.
Distal myopathy with posterior leg and anterior hand involvement. Also called: WILLIAMS DISTAL MYOPATHY. Identifiers: Orphanet 63273, MedGen C3279722, MONDO:0013550, OMIM 614065.

gnomAD v4.1: 1 of 1,613,706 alleles (0.000062%); highest among the groups gnomAD compares: East Asian, 0.0022%; no homozygotes.

Submission:

Labcorp Genetics (formerly Invitae), Labcorp
Classification: Uncertain significance for Distal myopathy with posterior leg and anterior hand involvement; Myofibrillar myopathy 5; Hypertrophic cardiomyopathy 26. Last evaluated: 2025-07-23. Review status: criteria provided, single submitter. Criteria: Invitae Variant Classification Sherloc (09022015). Collection method: clinical testing. Allele origin: germline.
Comment: This sequence change replaces aspartic acid, which is acidic and polar, with histidine, which is basic and polar, at codon 715 of the FLNC protein (p.Asp715His). This variant is present in population databases (no rsID available, gnomAD 0.006%). This variant has not been reported in the literature in individuals affected with FLNC-related conditions. Invitae Evidence Modeling of protein sequence and biophysical properties (such as structural, functional, and spatial information, amino acid conservation, physicochemical variation, residue mobility, and thermodynamic stability) has been performed for this missense variant. However, the output from this modeling did not meet the statistical confidence thresholds required to predict the impact of this variant on FLNC protein function. In summary, the available evidence is currently insufficient to determine the role of this variant in disease. Therefore, it has been classified as a Variant of Uncertain Significance.

NM_001458.5(FLNC):c.2143G>C (p.Asp715His)

Genes: FLNC (filamin C; plus strand), LOC129999273 (ATAC-STARR-seq lymphoblastoid silent region 18616; plus strand). Cytogenetic location: 7q32.1.
Variant type: single nucleotide variant.
Coding change: c.2143G>C on transcript NM_001458.5 (MANE Select); coding-DNA position 2143, G replaced by C.
Protein change: p.Asp715His; replaces aspartic acid 715 with histidine.
Molecular consequence: missense variant.
Genome position (GRCh38, 1-based): chr7:128,842,252, G>C. VCF-style: chr7-128842252-G-C. GRCh37 (hg19) VCF-style: chr7-128482306-G-C.
Other names: c.2143G>C, p.Asp715His (NM_001127487.2); short protein forms D715H.
Identifiers: ClinVar variation 4812380 (VCV004812380.1).